The following is an entry in ClinVar:

ClinVar aggregate classification (germline): Uncertain significance. Review status: criteria provided, multiple submitters, no conflicts (2 of 4 stars). 4 submissions from 4 submitters: Uncertain significance (3). 1 of the submissions does not count toward it. Last evaluated 2020-05-03.

Conditions:
Dystrophin deficiency.
Cardiomyopathy (CMYO). Also called: Cardiomyopathies. Identifiers: Orphanet 167848, MedGen C0878544, MONDO:0004994, HP:0001638. Inheritance: Various modes of inheritance.
Becker muscular dystrophy (BMD). Also called: Becker Muscular Dystrophy (BMD); MUSCULAR DYSTROPHY, PSEUDOHYPERTROPHIC PROGRESSIVE, BECKER TYPE. Identifiers: Orphanet 98895, MedGen C0917713, MONDO:0010311, OMIM 300376.
Duchenne muscular dystrophy (DMD). Also called: Duchenne Muscular Dystrophy (DMD); MUSCULAR DYSTROPHY, PSEUDOHYPERTROPHIC PROGRESSIVE, DUCHENNE TYPE. Identifiers: Orphanet 98896, MedGen C0013264, MONDO:0010679, OMIM 310200.

Allele frequency attached by ClinVar (database versions not stated): gnomAD exomes 0.00001.
gnomAD v4.1: 2 of 1,211,607 alleles (0.00017%); highest among the groups gnomAD compares: Middle Eastern, 0.023%; no homozygotes.

Submissions (4):

Genomic Research Center, Shahid Beheshti University of Medical Sciences
Classification: Uncertain significance for Becker muscular dystrophy. Last evaluated: 2020-05-03. Review status: criteria provided, single submitter. Criteria: ACMG Guidelines, 2015. Collection method: clinical testing. Allele origin: unknown. Affected: yes.

Women's Health and Genetics/Laboratory Corporation of America, LabCorp
Classification: Uncertain significance. Last evaluated: 2019-08-26. Review status: criteria provided, single submitter. Criteria: LabCorp Variant Classification Summary - May 2015. Collection method: clinical testing. Allele origin: germline.
Comment: Variant summary: DMD c.1000T>A (p.Leu334Met) results in a conservative amino acid change in the encoded protein sequence. Three of four in-silico tools predict a benign effect of the variant on protein function. The variant allele was found at a frequency of 1.1e-05 in 183254 control chromosomes. The available data on variant occurrences in the general population are insufficient to allow any conclusion about variant significance. To our knowledge, no occurrence of c.1000T>A in individuals affected with Dystrophinopathies and no experimental evidence demonstrating its impact on protein function have been reported. One clinical diagnostic laboratory has submitted clinical-significance assessments for this variant to ClinVar after 2014 without evidence for independent evaluation. One laboratory classified the variant as likely pathogenic. Based on the evidence outlined above, the variant was classified as uncertain significance.

Kariminejad - Najmabadi Pathology & Genetics Center
Classification: Uncertain significance. Last evaluated: 2018-05-21. Review status: criteria provided, single submitter. Criteria: ACMG Guidelines, 2015. Collection method: clinical testing. Allele origin: germline. Inheritance: X-linked inheritance. Affected: yes.
Comment: PM2 BP1

Natera, Inc.
Classification: Uncertain significance for Becker muscular dystrophy; Cardiomyopathy; Duchenne muscular dystrophy; Dystrophin deficiency. Last evaluated: 2019-05-09. Review status: no assertion criteria provided. Collection method: clinical testing. Allele origin: germline. Not counted in ClinVar's aggregate classification.

NM_004006.3(DMD):c.1000T>A (p.Leu334Met)

Gene: DMD (dystrophin; minus strand). Cytogenetic location: Xp21.1.
Variant type: single nucleotide variant.
Coding change: c.1000T>A on transcript NM_004006.3 (MANE Select); coding-DNA position 1000, T replaced by A.
Protein change: p.Leu334Met; replaces leucine 334 with methionine.
Molecular consequence: missense variant.
Genome position (GRCh38, 1-based): chrX:32,645,113, A>T on the plus strand (T>A on the coding strand, the complement: DMD is on the minus strand). VCF-style: chrX-32645113-A-T. GRCh37 (hg19) VCF-style: chrX-32663230-A-T.
Other names: c.976T>A, p.Leu326Met (NM_000109.4); c.988T>A, p.Leu330Met (NM_004009.3); c.631T>A, p.Leu211Met (NM_004010.3); short protein forms L211M, L334M, L326M, L330M.
Identifiers: ClinVar variation 522630 (VCV000522630.7), dbSNP rs1280415176, ClinGen allele CA412662279.